The following is an entry in ClinVar:

ClinVar aggregate classification (germline): Benign/Likely benign. Review status: criteria provided, multiple submitters, no conflicts (2 of 4 stars). 14 submissions from 14 submitters: Benign (3); Likely benign (6). 5 of the submissions do not count toward it. Last evaluated 2026-01-28.

Conditions:
FBN2-related disorder. Also called: FBN2-related condition.
Ehlers-Danlos syndrome (EDS). Identifiers: Orphanet 98249, MedGen C0013720, MONDO:0020066.
Congenital contractural arachnodactyly (CCA). Also called: BEALS SYNDROME; Beals-Hecht syndrome; Arthrogryposis, distal, type 9. Identifiers: Orphanet 115, MedGen C0220668, MONDO:0007363, OMIM 121050.

Allele frequency attached by ClinVar (database versions not stated): ExAC 0.00043; gnomAD exomes 0.00044 and 0.00087; gnomAD 0.00046 and 0.00049; TOPMed 0.00046; ESP Exome Variant Server 0.00092.
gnomAD v4.1: 1,317 of 1,613,878 alleles (0.082%); highest among the groups gnomAD compares: Non-Finnish European, 0.11%; 4 homozygotes.

Submissions (14):

Labcorp Genetics (formerly Invitae), Labcorp
Classification: Likely benign for Congenital contractural arachnodactyly. Last evaluated: 2026-01-28. Review status: criteria provided, single submitter. Criteria: Invitae Variant Classification Sherloc (09022015). Collection method: clinical testing. Allele origin: germline.

ARUP Laboratories, Molecular Genetics and Genomics, ARUP Laboratories
Classification: Likely benign. Last evaluated: 2025-04-09. Review status: criteria provided, single submitter. Criteria: ARUP Molecular Germline Variant Investigation Process 2024. Collection method: clinical testing. Allele origin: germline.

Blueprint Genetics
Classification: Likely benign. Last evaluated: 2024-10-30. Review status: criteria provided, single submitter. Criteria: ACMG Guidelines, 2015. Collection method: clinical testing. Allele origin: germline.

Women's Health and Genetics/Laboratory Corporation of America, LabCorp
Classification: Benign. Last evaluated: 2024-01-08. Review status: criteria provided, single submitter. Criteria: LabCorp Variant Classification Summary - May 2015. Collection method: clinical testing. Allele origin: germline.

CeGaT Center for Human Genetics Tuebingen
Classification: Likely benign. Last evaluated: 2022-11-01. Review status: criteria provided, single submitter. Criteria: CeGaT Center For Human Genetics Tuebingen Variant Classification Criteria Version 2. Collection method: clinical testing. Allele origin: germline. Affected: yes. Observed: 1 variant allele.
Comment: FBN2: BP4

Genome Diagnostics Laboratory, The Hospital for Sick Children
Classification: Likely benign for Ehlers-Danlos syndrome. Last evaluated: 2019-05-01. Review status: criteria provided, single submitter. Criteria: ACMG Guidelines, 2015. Collection method: clinical testing. Allele origin: germline.

Illumina Laboratory Services, Illumina
Classification: Likely benign for Congenital contractural arachnodactyly. Last evaluated: 2018-01-12. Review status: criteria provided, single submitter. Criteria: ICSL Variant Classification Criteria 13 December 2019. Collection method: clinical testing. Allele origin: germline.
Comment: This variant was observed in the ICSL laboratory as part of a predisposition screen in an ostensibly healthy population. It had not been previously curated by ICSL or reported in the Human Gene Mutation Database (HGMD: prior to June 1st, 2018), and was therefore a candidate for classification through an automated scoring system. Utilizing variant allele frequency, disease prevalence and penetrance estimates, and inheritance mode, an automated score was calculated to assess if this variant is too frequent to cause the disease. Based on the score and internal cut-off values, a variant classified as likely benign is not then subjected to further curation. The score for this variant resulted in a classification of likely benign for this disease.

Genome Diagnostics Laboratory, University Medical Center Utrecht
Classification: Benign for Congenital contractural arachnodactyly. Last evaluated: 2014-10-09. Review status: criteria provided, single submitter. Criteria: ACGS Guidelines, 2013. Collection method: clinical testing. Allele origin: germline. Affected: yes. Study: VKGL Data-share Consensus.

GeneDx
Classification: Benign. Last evaluated: 2014-02-06. Review status: criteria provided, single submitter. Criteria: GeneDx Variant Classification (06012015). Collection method: clinical testing. Allele origin: germline. Affected: yes.
Comment: This variant is considered likely benign or benign based on one or more of the following criteria: it is a conservative change, it occurs at a poorly conserved position in the protein, it is predicted to be benign by multiple in silico algorithms, and/or has population frequency not consistent with disease.

PreventionGenetics, part of Exact Sciences
Classification: Likely benign for FBN2-related condition. Last evaluated: 2019-06-05. Review status: no assertion criteria provided. Collection method: clinical testing. Allele origin: germline. Not counted in ClinVar's aggregate classification.
Comment: This variant is classified as likely benign based on ACMG/AMP sequence variant interpretation guidelines (Richards et al. 2015 PMID: 25741868, with internal and published modifications).

Genome Diagnostics Laboratory, Amsterdam University Medical Center
Classification: Likely benign for Congenital contractural arachnodactyly. Last evaluated: 2014-02-04. Review status: no assertion criteria provided. Criteria: ACGS Guidelines, 2013. Collection method: clinical testing. Allele origin: germline. Affected: yes. Study: VKGL Data-share Consensus. Not counted in ClinVar's aggregate classification.

Clinical Genetics DNA and cytogenetics Diagnostics Lab, Erasmus MC, Erasmus Medical Center
Classification: Likely benign. Review status: no assertion criteria provided. Collection method: clinical testing. Allele origin: germline. Affected: yes. Study: VKGL Data-share Consensus. Not counted in ClinVar's aggregate classification.

Joint Genome Diagnostic Labs from Nijmegen and Maastricht, Radboudumc and MUMC+
Classification: Likely benign. Review status: no assertion criteria provided. Collection method: clinical testing. Allele origin: germline. Affected: yes. Study: VKGL Data-share Consensus. Not counted in ClinVar's aggregate classification.

Laboratory of Diagnostic Genome Analysis, Leiden University Medical Center (LUMC)
Classification: Likely benign. Review status: no assertion criteria provided. Collection method: clinical testing. Allele origin: germline. Affected: yes. Study: VKGL Data-share Consensus. Not counted in ClinVar's aggregate classification.

NM_001999.4(FBN2):c.5674+7A>G

Gene: FBN2 (fibrillin 2; minus strand). Cytogenetic location: 5q23.3.
Variant type: single nucleotide variant.
Coding change: c.5674+7A>G on transcript NM_001999.4 (MANE Select); 7 bases into the intron after coding-DNA position 5674, A replaced by G.
Molecular consequence: intron variant.
Genome position (GRCh38, 1-based): chr5:128,305,504, T>C on the plus strand (A>G on the coding strand, the complement: FBN2 is on the minus strand). VCF-style: chr5-128305504-T-C. GRCh37 (hg19) VCF-style: chr5-127641196-T-C.
Identifiers: ClinVar variation 137342 (VCV000137342.50), dbSNP rs367877964, ClinGen allele CA290885.